The following is an entry in ClinVar:

NM_002291.3(LAMB1):c.3737T>C (p.Ile1246Thr)

Gene: LAMB1 (laminin subunit beta 1; minus strand). Cytogenetic location: 7q31.1.
Variant type: single nucleotide variant.
Coding change: c.3737T>C on transcript NM_002291.3 (MANE Select); coding-DNA position 3737, T replaced by C.
Protein change: p.Ile1246Thr; replaces isoleucine 1246 with threonine.
Molecular consequence: missense variant.
Genome position (GRCh38, 1-based): chr7:107,940,013, A>G on the plus strand (T>C on the coding strand, the complement: LAMB1 is on the minus strand). VCF-style: chr7-107940013-A-G. GRCh37 (hg19) VCF-style: chr7-107580458-A-G.
Other names: c.3737T>C (NM_002291.2); short protein forms I1246T.
Identifiers: ClinVar variation 1520237 (VCV001520237.9), dbSNP rs565187405, ClinGen allele CA4435239.

ClinVar aggregate classification (germline): Uncertain significance. Review status: criteria provided, multiple submitters, no conflicts (2 of 4 stars). 2 submissions from 2 submitters: Uncertain significance (2). Last evaluated 2023-10-13.

Conditions:
Inborn genetic diseases. Identifiers: MedGen C0950123, MeSH D030342.

Allele frequency attached by ClinVar (database versions not stated): gnomAD 0.00001 and 0.00002; TOPMed 0.00006; gnomAD exomes 0.00007 and 0.00010; ExAC 0.00010; 1000 Genomes Project 30x 0.00016; 1000 Genomes Project 0.00020.
gnomAD v4.1: 101 of 1,613,842 alleles (0.0063%); highest among the groups gnomAD compares: East Asian, 0.067%; 1 homozygote.

Submissions (2):

Labcorp Genetics (formerly Invitae), Labcorp
Classification: Uncertain significance. Last evaluated: 2023-10-13. Review status: criteria provided, single submitter. Criteria: Invitae Variant Classification Sherloc (09022015). Collection method: clinical testing. Allele origin: germline.
Comment: This sequence change replaces isoleucine, which is neutral and non-polar, with threonine, which is neutral and polar, at codon 1246 of the LAMB1 protein (p.Ile1246Thr). This variant is present in population databases (rs565187405, gnomAD 0.07%). This variant has not been reported in the literature in individuals affected with LAMB1-related conditions. ClinVar contains an entry for this variant (Variation ID: 1520237). An algorithm developed to predict the effect of missense changes on protein structure and function (PolyPhen-2) suggests that this variant is likely to be tolerated. In summary, the available evidence is currently insufficient to determine the role of this variant in disease. Therefore, it has been classified as a Variant of Uncertain Significance.

Ambry Genetics
Classification: Uncertain significance for Inborn genetic diseases. Last evaluated: 2022-12-07. Review status: criteria provided, single submitter. Criteria: Ambry Variant Classification Scheme 2023. Collection method: clinical testing. Allele origin: germline.